The following is an entry in ClinVar:

NM_022041.4(GAN):c.851+1G>A

Gene: GAN (gigaxonin; plus strand). Cytogenetic location: 16q23.2.
Variant type: single nucleotide variant.
Coding change: c.851+1G>A on transcript NM_022041.4 (MANE Select); the canonical splice donor site of the intron after coding-DNA position 851, G replaced by A.
Molecular consequence: splice donor variant.
Genome position (GRCh38, 1-based): chr16:81,357,003, G>A. VCF-style: chr16-81357003-G-A. GRCh37 (hg19) VCF-style: chr16-81390608-G-A.
Other names: c.212+1G>A (NM_001377486.1).
Identifiers: ClinVar variation 246282 (VCV000246282.32), dbSNP rs747291494, ClinGen allele CA8191503.

ClinVar aggregate classification (germline): Pathogenic/Likely pathogenic. Review status: criteria provided, multiple submitters, no conflicts (2 of 4 stars). 9 submissions from 9 submitters: Pathogenic (7); Likely pathogenic (2). Last evaluated 2026-04-01.

Conditions:
Giant axonal neuropathy 1 (GAN1). Also called: GIANT AXONAL NEUROPATHY 1, AUTOSOMAL RECESSIVE; GAN-Related Neurodegeneration. Identifiers: Orphanet 643, MedGen C1850386, MONDO:0009749, OMIM 256850.
Inborn genetic diseases. Identifiers: MedGen C0950123, MeSH D030342.

Allele frequency attached by ClinVar (database versions not stated): gnomAD 0.00001; gnomAD exomes 0.00001 and 0.00005; TOPMed 0.00002; ExAC 0.00003.
gnomAD v4.1: 17 of 1,573,746 alleles (0.0011%); highest among the groups gnomAD compares: Admixed American, 0.028%; no homozygotes.

Submissions (9):

CeGaT Center for Human Genetics Tuebingen
Classification: Pathogenic. Last evaluated: 2026-04-01. Review status: criteria provided, single submitter. Criteria: CeGaT Center For Human Genetics Tuebingen Variant Classification Criteria Version 2. Collection method: clinical testing. Allele origin: germline. Affected: yes. Observed: 1 variant allele.
Comment: GAN: PVS1, PM2, PM3

Mayo Clinic Laboratories, Mayo Clinic
Classification: Pathogenic. Last evaluated: 2025-07-29. Review status: criteria provided, single submitter. Criteria: ACMG Guidelines, 2015. Collection method: clinical testing. Allele origin: germline. Observed: 1 variant allele.
Comment: PM2_supporting, PM3, PS4_moderate, PVS1

Women's Health and Genetics/Laboratory Corporation of America, LabCorp
Classification: Pathogenic for Giant axonal neuropathy 1. Last evaluated: 2024-11-25. Review status: criteria provided, single submitter. Criteria: LabCorp Variant Classification Summary - May 2015. Collection method: clinical testing. Allele origin: germline.
Comment: Variant summary: GAN c.851+1G>A is located in a canonical splice-site and is predicted to affect mRNA splicing resulting in a significantly altered protein due to either exon skipping, shortening, or inclusion of intronic material. Variants that disrupt the consensus splice site are a relatively common cause of aberrant splicing and loss of GAN function. Several computational tools predict a significant impact on normal splicing: Four predict the variant abolishes the canonical 5' splicing donor site. However, these predictions have yet to be confirmed by functional studies. The variant allele was found at a frequency of 5.2e-05 in 250896 control chromosomes, predominantly at a frequency of 0.00038 within the Latino subpopulation in the gnomAD database. This frequency is not significantly higher than estimated for a pathogenic variant in GAN causing Giant axonal neuropathy 1 (5.2e-05 vs 0.0011), allowing no conclusion about variant significance. c.851+1G>A has been reported in the literature in multiple individuals affected with Giant axonal neuropathy 1 (example, Bharucha-Goebel_2021). These data indicate that the variant is very likely to be associated with disease. To our knowledge, no experimental evidence demonstrating an impact on protein function has been reported. The following publication has been ascertained in the context of this evaluation (PMID: 34114613). ClinVar contains an entry for this variant (Variation ID: 246282). Based on the evidence outlined above, the variant was classified as pathogenic.

Labcorp Genetics (formerly Invitae), Labcorp
Classification: Pathogenic for Giant axonal neuropathy 1. Last evaluated: 2024-11-04. Review status: criteria provided, single submitter. Criteria: Invitae Variant Classification Sherloc (09022015). Collection method: clinical testing. Allele origin: germline.
Comment: This sequence change affects a donor splice site in intron 4 of the GAN gene. It is expected to disrupt RNA splicing. Variants that disrupt the donor or acceptor splice site typically lead to a loss of protein function (PMID: 16199547), and loss-of-function variants in GAN are known to be pathogenic (PMID: 12655563, 14718689, 23890932). This variant is present in population databases (rs747291494, gnomAD 0.03%). Disruption of this splice site has been observed in individuals with clinical features of giant axonal neuropathy (internal data). ClinVar contains an entry for this variant (Variation ID: 246282). Algorithms developed to predict the effect of sequence changes on RNA splicing suggest that this variant may disrupt the consensus splice site. For these reasons, this variant has been classified as Pathogenic.

Ambry Genetics
Classification: Likely pathogenic for Inborn genetic diseases. Last evaluated: 2021-09-02. Review status: criteria provided, single submitter. Criteria: Ambry Variant Classification Scheme 2023. Collection method: clinical testing. Allele origin: germline.
Comment: The c.851+1G>A intronic variant results from a G to A substitution one nucleotide after coding exon 4 of the GAN gene. This nucleotide position is highly conserved in available vertebrate species. In silico splice site analysis predicts that this alteration will weaken the native splice donor site and will result in the creation or strengthening of a novel splice donor site. Alterations that disrupt the canonical splice site are expected to cause aberrant splicing, resulting in an abnormal protein or a transcript that is subject to nonsense-mediated mRNA decay. As such, this alteration is classified as likely pathogenic.

Fulgent Genetics
Classification: Likely pathogenic for Giant axonal neuropathy 1. Last evaluated: 2018-10-31. Review status: criteria provided, single submitter. Criteria: ACMG Guidelines, 2015. Collection method: clinical testing. Allele origin: unknown.

GeneDx
Classification: Pathogenic. Last evaluated: 2017-08-08. Review status: criteria provided, single submitter. Criteria: GeneDx Variant Classification (06012015). Collection method: clinical testing. Allele origin: germline. Affected: yes.
Comment: The c.851+1G>A pathogenic variant in the GAN gene has not been reported previously as a pathogenic variant, nor as a benign variant, to our knowledge. This variant has been observed in the homozygous state in several unrelated patients referred for genetic testing at GeneDx and not observed in the homozygous state in controls. This splice site variant destroys the canonical splice donor site in intron 4. It is predicted to cause abnormal gene splicing, either leading to an abnormal message that is subject to nonsense-mediated mRNA decay, or to an abnormal protein product if the message is used for protein translation. The c.851+1G>A variant is not observed at a significant frequency in large population cohorts (Lek et al., 2016). This variant is reported as pathogenic in ClinVar, but additional evidence is not available (ClinVar SCV000336956.2, SCV000603804.1; Landrum et al., 2016). We interpret c.851+1G>A as a pathogenic variant.

ARUP Laboratories, Molecular Genetics and Genomics, ARUP Laboratories
Classification: Pathogenic. Last evaluated: 2017-01-30. Review status: criteria provided, single submitter. Criteria: ARUP Molecular Germline Variant Investigation Process. Collection method: clinical testing. Allele origin: germline.

Eurofins Ntd Llc (ga)
Classification: Pathogenic. Last evaluated: 2015-11-06. Review status: criteria provided, single submitter. Criteria: EGL Classification Definitions 2015. Collection method: clinical testing. Allele origin: germline. Observed: 1 variant allele, 1 homozygote.

Literature cited by the submitters: PubMed 32999401 (cited by Mayo Clinic Laboratories, Mayo Clinic); PubMed 34114613 (cited by Mayo Clinic Laboratories, Mayo Clinic and Women's Health and Genetics/Laboratory Corporation of America, LabCorp); PubMed 16199547 (cited by Labcorp Genetics (formerly Invitae), Labcorp); PubMed 12655563 (cited by Labcorp Genetics (formerly Invitae), Labcorp); PubMed 14718689 (cited by Labcorp Genetics (formerly Invitae), Labcorp); PubMed 23890932 (cited by Labcorp Genetics (formerly Invitae), Labcorp).